The following is an entry in ClinVar:

ClinVar aggregate classification (germline): Uncertain significance. Review status: criteria provided, multiple submitters, no conflicts (2 of 4 stars). 3 submissions from 3 submitters: Uncertain significance (3). Last evaluated 2025-01-12.

Conditions:
DICER1-related tumor predisposition. Also called: DICER1 syndrome; DICER1-related pleuropulmonary blastoma cancer predisposition syndrome. Identifiers: Orphanet 284343, MedGen C3839822, MONDO:0100216.
Hereditary cancer-predisposing syndrome. Also called: Neoplastic Syndromes, Hereditary; Tumor predisposition; Hereditary Cancer Syndrome; Hereditary neoplastic syndrome. Identifiers: Orphanet 140162, MedGen C0027672, MeSH D009386, MONDO:0015356.
Global developmental delay - lung cysts - overgrowth - Wilms tumor syndrome. Also called: GLOW Syndrome; GLOBAL DEVELOPMENTAL DELAY, LUNG CYSTS, OVERGROWTH, AND WILMS TUMOR. Identifiers: Orphanet 404476, MedGen C4748924, MONDO:0018445, OMIM 618272.

Submissions (3):

Ambry Genetics
Classification: Uncertain significance for Hereditary cancer-predisposing syndrome. Last evaluated: 2025-01-12. Review status: criteria provided, single submitter. Criteria: Ambry Variant Classification Scheme 2023. Collection method: clinical testing. Allele origin: germline.
Comment: The p.S1612G variant (also known as c.4834A>G), located in coding exon 22 of the DICER1 gene, results from an A to G substitution at nucleotide position 4834. The serine at codon 1612 is replaced by glycine, an amino acid with similar properties. This amino acid position is not well conserved in available vertebrate species. In addition, this alteration is predicted to be tolerated by in silico analysis. Since supporting evidence is limited at this time, the clinical significance of this alteration remains unclear.

Labcorp Genetics (formerly Invitae), Labcorp
Classification: Uncertain significance for DICER1-related tumor predisposition. Last evaluated: 2024-07-25. Review status: criteria provided, single submitter. Criteria: Invitae Variant Classification Sherloc (09022015). Collection method: clinical testing. Allele origin: germline.
Comment: This sequence change replaces serine, which is neutral and polar, with glycine, which is neutral and non-polar, at codon 1612 of the DICER1 protein (p.Ser1612Gly). This variant is not present in population databases (gnomAD no frequency). This variant has not been reported in the literature in individuals affected with DICER1-related conditions. ClinVar contains an entry for this variant (Variation ID: 1743451). An algorithm developed to predict the effect of missense changes on protein structure and function outputs the following: PolyPhen-2: "Benign". The glycine amino acid residue is found in multiple mammalian species, which suggests that this missense change does not adversely affect protein function. In summary, the available evidence is currently insufficient to determine the role of this variant in disease. Therefore, it has been classified as a Variant of Uncertain Significance.

Baylor Genetics
Classification: Uncertain significance for Global developmental delay - lung cysts - overgrowth - Wilms tumor syndrome. Last evaluated: 2024-02-06. Review status: criteria provided, single submitter. Criteria: ACMG Guidelines, 2015. Collection method: clinical testing. Allele origin: unknown.

NM_177438.3(DICER1):c.4834A>G (p.Ser1612Gly)

Gene: DICER1 (dicer 1, ribonuclease III; minus strand). Cytogenetic location: 14q32.13.
Variant type: single nucleotide variant.
Coding change: c.4834A>G on transcript NM_177438.3 (MANE Select); coding-DNA position 4834, A replaced by G.
Protein change: p.Ser1612Gly; replaces serine 1612 with glycine.
Molecular consequence: missense variant. On other transcripts: non-coding transcript variant (6).
Genome position (GRCh38, 1-based): chr14:95,096,086, T>C on the plus strand (A>G on the coding strand, the complement: DICER1 is on the minus strand). VCF-style: chr14-95096086-T-C. GRCh37 (hg19) VCF-style: chr14-95562423-T-C.
Other names: c.4834A>G, p.Ser1612Gly (NM_001195573.1, NM_001271282.3, NM_001291628.2 and 13 more transcripts); c.4552A>G, p.Ser1518Gly (NM_001395686.1); c.4429A>G, p.Ser1477Gly (NM_001395687.1, NM_001395688.1, NM_001395689.1 and 2 more transcripts); c.4267A>G, p.Ser1423Gly (NM_001395691.1); c.3151A>G, p.Ser1051Gly (NM_001395697.1); short protein forms S1051G, S1477G, S1518G, S1423G, S1612G.
Identifiers: ClinVar variation 1743451 (VCV001743451.7), dbSNP rs2542484159, ClinGen allele CA390866868.